The following is an entry in ClinVar:

NM_001430.5(EPAS1):c.2114A>C (p.Lys705Thr)

Gene: EPAS1 (endothelial PAS domain protein 1; plus strand). Cytogenetic location: 2p21.
Variant type: single nucleotide variant.
Coding change: c.2114A>C on transcript NM_001430.5 (MANE Select); coding-DNA position 2114, A replaced by C.
Protein change: p.Lys705Thr; replaces lysine 705 with threonine.
Molecular consequence: missense variant.
Genome position (GRCh38, 1-based): chr2:46,381,664, A>C. VCF-style: chr2-46381664-A-C. GRCh37 (hg19) VCF-style: chr2-46608803-A-C.
Other names: short protein forms K705T.
Identifiers: ClinVar variation 1786149 (VCV001786149.2), dbSNP rs2546479525, ClinGen allele CA346705557.
Genomic context (GRCh38, chr2:46,381,664, plus strand): 5'-AGGGTTTTGGGGCTCGAGGCCCAGACGTGCTGAGTCCGGCCATGGTAGCCCTCTCCAACA[A>C]GCTGAAGCTGAAGCGACAGCTGGAGTATGAAGAGCAAGCCTTCCAGGACCTGAGCGGGGT-3'
Protein context (NP_001421.2, residues 695-715): LSPAMVALSN[Lys705Thr]LKLKRQLEYE

ClinVar aggregate classification (germline): Uncertain significance (1 of 4 stars; one submission).

Conditions:
Inborn genetic diseases. Identifiers: MedGen C0950123, MeSH D030342.

Submission:

Ambry Genetics
Classification: Uncertain significance for Inborn genetic diseases. Last evaluated: 2021-12-10. Review status: criteria provided, single submitter. Criteria: Ambry Variant Classification Scheme 2023. Collection method: clinical testing. Allele origin: germline.
Comment: The p.K705T variant (also known as c.2114A>C), located in coding exon 13 of the EPAS1 gene, results from an A to C substitution at nucleotide position 2114. The lysine at codon 705 is replaced by threonine, an amino acid with similar properties. This amino acid position is conserved. In addition, this alteration is predicted to be tolerated by in silico analysis. Since supporting evidence is limited at this time, the clinical significance of this alteration remains unclear.